The following is an entry in ClinVar:

ClinVar aggregate classification (germline): Benign. Review status: criteria provided, multiple submitters, no conflicts (2 of 4 stars). 8 submissions from 8 submitters: Benign (6). 2 of the submissions do not count toward it. Last evaluated 2026-05-08.

Conditions:
3M syndrome 2. Also called: 3-M Syndrome, OBSL1-Related; THREE M SYNDROME 2. Identifiers: Orphanet 2616, MedGen C2752041, MONDO:0013039, OMIM 612921.

Allele frequency attached by ClinVar (database versions not stated): 1000 Genomes Project 0.22923; 1000 Genomes Project 30x 0.23517; ESP Exome Variant Server 0.25997; gnomAD 0.26293 and 0.26702; TOPMed 0.26376; gnomAD exomes 0.26922.
gnomAD v4.1: 432,606 of 1,613,442 alleles (27%); highest among the groups gnomAD compares: Admixed American, 31%; 59,789 homozygotes.

Submissions (8):

Women's Health and Genetics/Laboratory Corporation of America, LabCorp
Classification: Benign. Last evaluated: 2026-05-08. Review status: criteria provided, single submitter. Criteria: LabCorp Variant Classification Summary - May 2015. Collection method: clinical testing. Allele origin: germline.

Labcorp Genetics (formerly Invitae), Labcorp
Classification: Benign. Last evaluated: 2026-02-04. Review status: criteria provided, single submitter. Criteria: Invitae Variant Classification Sherloc (09022015). Collection method: clinical testing. Allele origin: germline.

Blueprint Genetics
Classification: Benign. Last evaluated: 2024-11-26. Review status: criteria provided, single submitter. Criteria: ACMG Guidelines, 2015. Collection method: clinical testing. Allele origin: germline.

GeneDx
Classification: Benign. Last evaluated: 2018-11-12. Review status: criteria provided, single submitter. Criteria: GeneDx Variant Classification Process June 2021. Collection method: clinical testing. Allele origin: germline. Affected: yes.

Illumina Laboratory Services, Illumina
Classification: Benign for 3M syndrome 2. Last evaluated: 2018-01-12. Review status: criteria provided, single submitter. Criteria: ICSL Variant Classification Criteria 13 December 2019. Collection method: clinical testing. Allele origin: germline.
Comment: This variant was observed in the ICSL laboratory as part of a predisposition screen in an ostensibly healthy population. It had not been previously curated by ICSL or reported in the Human Gene Mutation Database (HGMD: prior to June 1st, 2018), and was therefore a candidate for classification through an automated scoring system. Utilizing variant allele frequency, disease prevalence and penetrance estimates, and inheritance mode, an automated score was calculated to assess if this variant is too frequent to cause the disease. Based on the score and internal cut-off values, a variant classified as benign is not then subjected to further curation. The score for this variant resulted in a classification of benign for this disease.

Breakthrough Genomics
Classification: Benign. Review status: criteria provided, single submitter. Criteria: ACMG Guidelines, 2015. Collection method: not provided. Allele origin: germline. Inheritance: Autosomal recessive inheritance. Affected: yes.

Diagnostic Laboratory, Department of Genetics, University Medical Center Groningen
Classification: Benign. Review status: no assertion criteria provided. Collection method: clinical testing. Allele origin: germline. Affected: yes. Study: VKGL Data-share Consensus. Not counted in ClinVar's aggregate classification.

Joint Genome Diagnostic Labs from Nijmegen and Maastricht, Radboudumc and MUMC+
Classification: Benign. Review status: no assertion criteria provided. Collection method: clinical testing. Allele origin: germline. Affected: yes. Study: VKGL Data-share Consensus. Not counted in ClinVar's aggregate classification.

NM_015311.3(OBSL1):c.4566C>T (p.Cys1522=)

Gene: OBSL1 (obscurin like cytoskeletal adaptor 1; minus strand). Cytogenetic location: 2q35.
Variant type: single nucleotide variant.
Coding change: c.4566C>T on transcript NM_015311.3 (MANE Select); coding-DNA position 4566, C replaced by T.
Protein change: p.Cys1522=; no amino-acid change (cysteine 1522 retained).
Molecular consequence: synonymous variant.
Genome position (GRCh38, 1-based): chr2:219,556,063, G>A on the plus strand (C>T on the coding strand, the complement: OBSL1 is on the minus strand). VCF-style: chr2-219556063-G-A. GRCh37 (hg19) VCF-style: chr2-220420785-G-A.
Other names: c.4566C>T, p.Cys1522= (NM_001173431.2).
Identifiers: ClinVar variation 334470 (VCV000334470.22), dbSNP rs3087971, ClinGen allele CA2130507.
Genomic context (GRCh38, chr2:219,556,063, plus strand): 5'-GAGGACGGGGCACTCACGCCTCACGCTGAGCCTGGCCAGGGTGCGATCGTGGTGGCTCTC[G>A]CAGCCGTAGGTGCCCTGGTCGGCCAGTATGACACCATGGATGAAGAGGCGGTGGATGTGC-3'
Protein context (NP_056126.1, residues 1512-1532): VILADQGTYG[Cys1522=]ESHHDRTLAR